The following is an entry in ClinVar:

NM_000363.5(TNNI3):c.462G>A (p.Met154Ile)

Gene: TNNI3 (troponin I3, cardiac type; minus strand). Cytogenetic location: 19q13.42.
Variant type: single nucleotide variant.
Coding change: c.462G>A on transcript NM_000363.5 (MANE Select); coding-DNA position 462, G replaced by A.
Protein change: p.Met154Ile; replaces methionine 154 with isoleucine.
Molecular consequence: missense variant.
Genome position (GRCh38, 1-based): chr19:55,154,117, C>T on the plus strand (G>A on the coding strand, the complement: TNNI3 is on the minus strand). VCF-style: chr19-55154117-C-T. GRCh37 (hg19) VCF-style: chr19-55665485-C-T.
Other names: short protein forms M154I.
Identifiers: ClinVar variation 43385 (VCV000043385.5), dbSNP rs397516350, ClinGen allele CA021703.

ClinVar aggregate classification (germline): Uncertain significance (1 of 4 stars; one submission).

Submission:

Laboratory for Molecular Medicine, Mass General Brigham Personalized Medicine
Classification: Uncertain significance. Last evaluated: 2012-09-19. Review status: criteria provided, single submitter. Criteria: LMM Criteria. Collection method: clinical testing. Allele origin: germline. Observed: 1 variant allele.
Comment: Variant classified as Uncertain Significance - Favor Benign. The Met154Ile varia nt in TNNI3 has not been reported in the literature nor previously identified by our laboratory. Computational analyses (biochemical amino acid properties, cons ervation, AlignGVGD, PolyPhen2, and SIFT) suggest that this variant may not impa ct the protein and 2 fish species carry this variant, suggesting that the change to isoleucine (Ile) may be tolerated. In summary, this variant is less liekly d isease causing but additional studies are needed to fully assess its clinical si gnificance.